The following is an entry in ClinVar:

NM_000303.3(PMM2):c.193G>A (p.Asp65Asn)

Gene: PMM2 (phosphomannomutase 2; plus strand). Cytogenetic location: 16p13.2.
Variant type: single nucleotide variant.
Coding change: c.193G>A on transcript NM_000303.3 (MANE Select); coding-DNA position 193, G replaced by A.
Protein change: p.Asp65Asn; replaces aspartic acid 65 with asparagine.
Molecular consequence: missense variant.
Genome position (GRCh38, 1-based): chr16:8,804,781, G>A. VCF-style: chr16-8804781-G-A. GRCh37 (hg19) VCF-style: chr16-8898638-G-A.
Other names: c.193G>A (NM_000303.2); short protein forms D65N.
Identifiers: ClinVar variation 2733135 (VCV002733135.4), dbSNP rs104894527, ClinGen allele CA394695813.

ClinVar aggregate classification (germline): Pathogenic/Likely pathogenic. Review status: criteria provided, multiple submitters, no conflicts (2 of 4 stars). 2 submissions from 2 submitters: Pathogenic (1); Likely pathogenic (1). Last evaluated 2025-02-06.

Conditions:
PMM2-congenital disorder of glycosylation. Also called: PMM2-CDG; Congenital disorder of glycosylation, type Ia; CDG Ia; JAEKEN SYNDROME; PHOSPHOMANNOMUTASE 2 DEFICIENCY; CARBOHYDRATE-DEFICIENT GLYCOPROTEIN SYNDROME, TYPE Ia. Identifiers: Orphanet 79318, MedGen C0349653, MONDO:0008907, OMIM 212065.

Submissions (2):

GeneDx
Classification: Pathogenic. Last evaluated: 2025-02-06. Review status: criteria provided, single submitter. Criteria: GeneDx Variant Classification Process June 2021. Collection method: clinical testing. Allele origin: germline. Affected: yes.
Comment: Has not been previously published as pathogenic or benign to our knowledge; In silico analysis supports that this missense variant has a deleterious effect on protein structure/function; In silico analysis is inconclusive as to whether the variant alters gene splicing. In the absence of RNA/functional studies, the actual effect of this sequence change is unknown.; Not observed at significant frequency in large population cohorts (gnomAD)

Labcorp Genetics (formerly Invitae), Labcorp
Classification: Likely pathogenic for PMM2-congenital disorder of glycosylation. Last evaluated: 2023-11-18. Review status: criteria provided, single submitter. Criteria: Invitae Variant Classification Sherloc (09022015). Collection method: clinical testing. Allele origin: germline.
Comment: This sequence change replaces aspartic acid, which is acidic and polar, with asparagine, which is neutral and polar, at codon 65 of the PMM2 protein (p.Asp65Asn). This variant is not present in population databases (gnomAD no frequency). This variant has not been reported in the literature in individuals affected with PMM2-related conditions. Advanced modeling of protein sequence and biophysical properties (such as structural, functional, and spatial information, amino acid conservation, physicochemical variation, residue mobility, and thermodynamic stability) performed at Invitae indicates that this missense variant is expected to disrupt PMM2 protein function with a positive predictive value of 95%. This variant disrupts the p.Asp65 amino acid residue in PMM2. Other variant(s) that disrupt this residue have been determined to be pathogenic (PMID: 9497260, 16376131, 21541725, 24739649). This suggests that this residue is clinically significant, and that variants that disrupt this residue are likely to be disease-causing. In summary, the currently available evidence indicates that the variant is pathogenic, but additional data are needed to prove that conclusively. Therefore, this variant has been classified as Likely Pathogenic.

Literature cited by the submitters: PubMed 9497260 (cited by Labcorp Genetics (formerly Invitae), Labcorp); PubMed 16376131 (cited by Labcorp Genetics (formerly Invitae), Labcorp); PubMed 21541725 (cited by Labcorp Genetics (formerly Invitae), Labcorp); PubMed 24739649 (cited by Labcorp Genetics (formerly Invitae), Labcorp).